The following is an entry in ClinVar:

NM_024753.5(TTC21B):c.1301C>G (p.Pro434Arg)

Gene: TTC21B (tetratricopeptide repeat domain 21B; minus strand). Cytogenetic location: 2q24.3.
Variant type: single nucleotide variant.
Coding change: c.1301C>G on transcript NM_024753.5 (MANE Select); coding-DNA position 1301, C replaced by G.
Protein change: p.Pro434Arg; replaces proline 434 with arginine.
Molecular consequence: missense variant.
Genome position (GRCh38, 1-based): chr2:165,929,220, G>C on the plus strand (C>G on the coding strand, the complement: TTC21B is on the minus strand). VCF-style: chr2-165929220-G-C. GRCh37 (hg19) VCF-style: chr2-166785730-G-C.
Other names: c.1301C>G (NM_024753.4); short protein forms P434R.
Identifiers: ClinVar variation 1517448 (VCV001517448.9), dbSNP rs971283288, ClinGen allele CA59805982.

ClinVar aggregate classification (germline): Uncertain significance. Review status: criteria provided, multiple submitters, no conflicts (2 of 4 stars). 4 submissions from 4 submitters: Uncertain significance (4). Last evaluated 2026-08-28.

Conditions:
TTC21B-related disorder. Also called: TTC21B-related condition; TTC21B-related disorders.
Asphyxiating thoracic dystrophy 4 (SRTD4). Also called: SHORT-RIB THORACIC DYSPLASIA 4 WITH OR WITHOUT POLYDACTYLY; SHORT-RIB THORACIC DYSPLASIA 4. Identifiers: Orphanet 474, MedGen C3151185, MONDO:0013441, OMIM 613819.
Nephronophthisis 12 (NPHP12). Identifiers: Orphanet 655, MedGen C3151186, MONDO:0013442, OMIM 613820.
Jeune thoracic dystrophy. Also called: Jeune syndrome; Infantile thoracic dystrophy; Thoracic pelvic phalangeal dystrophy; Jeune's syndrome; Chondroectodermal dysplasia-like syndrome; Short-rib thoracic dysplasia. Identifiers: Orphanet 474, MedGen C0265275, MONDO:0018770.
Nephronophthisis. Also called: Juvenile Nephronophthisis. Identifiers: Orphanet 655, MedGen C0687120, MONDO:0019005, HP:0000090.

Allele frequency attached by ClinVar (database versions not stated): TOPMed below 0.00001; gnomAD 0.00001.
gnomAD v4.1: 3 of 1,612,850 alleles (0.00019%); highest among the groups gnomAD compares: African/African-American, 0.0013%; no homozygotes.

Submissions (4):

PreventionGenetics, part of Exact Sciences
Classification: Uncertain significance for TTC21B-related condition. Last evaluated: 2026-08-28. Review status: criteria provided, single submitter. Criteria: ACMG Guidelines, 2015. Collection method: clinical testing. Allele origin: germline.
Comment: The TTC21B c.1301C>G variant is predicted to result in the amino acid substitution p.Pro434Arg. To our knowledge, this variant has not been reported in the literature or in a large population database (gnomAD), indicating this variant is rare. At this time, the clinical significance of this variant is uncertain due to the absence of conclusive functional and genetic evidence.

Labcorp Genetics (formerly Invitae), Labcorp
Classification: Uncertain significance for Jeune thoracic dystrophy; Nephronophthisis. Last evaluated: 2025-04-28. Review status: criteria provided, single submitter. Criteria: Invitae Variant Classification Sherloc (09022015). Collection method: clinical testing. Allele origin: germline.
Comment: This sequence change replaces proline, which is neutral and non-polar, with arginine, which is basic and polar, at codon 434 of the TTC21B protein (p.Pro434Arg). This variant is not present in population databases (gnomAD no frequency). This variant has not been reported in the literature in individuals affected with TTC21B-related conditions. ClinVar contains an entry for this variant (Variation ID: 1517448). Invitae Evidence Modeling of protein sequence and biophysical properties (such as structural, functional, and spatial information, amino acid conservation, physicochemical variation, residue mobility, and thermodynamic stability) indicates that this missense variant is not expected to disrupt TTC21B protein function with a negative predictive value of 80%. In summary, the available evidence is currently insufficient to determine the role of this variant in disease. Therefore, it has been classified as a Variant of Uncertain Significance.

Blueprint Genetics
Classification: Uncertain significance. Last evaluated: 2024-09-13. Review status: criteria provided, single submitter. Criteria: ACMG Guidelines, 2015. Collection method: clinical testing. Allele origin: germline.

Fulgent Genetics
Classification: Uncertain significance for Asphyxiating thoracic dystrophy 4; Nephronophthisis 12. Last evaluated: 2024-06-12. Review status: criteria provided, single submitter. Criteria: ACMG Guidelines, 2015. Collection method: clinical testing. Allele origin: germline.